The following is an entry in ClinVar:

NM_022489.4(INF2):c.1463C>T (p.Pro488Leu)

Gene: INF2 (inverted formin 2; plus strand). Cytogenetic location: 14q32.33.
Variant type: single nucleotide variant.
Coding change: c.1463C>T on transcript NM_022489.4 (MANE Select); coding-DNA position 1463, C replaced by T.
Protein change: p.Pro488Leu; replaces proline 488 with leucine.
Molecular consequence: missense variant. On other transcripts: non-coding transcript variant (1).
Genome position (GRCh38, 1-based): chr14:104,707,730, C>T. VCF-style: chr14-104707730-C-T. GRCh37 (hg19) VCF-style: chr14-105174067-C-T.
Other names: c.1463C>T, p.Pro488Leu (NM_001031714.4, NM_001426862.1, NM_001426863.1 and 2 more transcripts); short protein forms P488L.
Identifiers: ClinVar variation 3753952 (VCV003753952.2).

ClinVar aggregate classification (germline): Uncertain significance (1 of 4 stars; one submission).

Conditions:
Focal segmental glomerulosclerosis 5 (FSGS5). Identifiers: Orphanet 656, MedGen C2750475, MONDO:0013191, OMIM 613237.
Charcot-Marie-Tooth disease dominant intermediate E. Also called: CHARCOT-MARIE-TOOTH NEUROPATHY WITH FOCAL SEGMENTAL GLOMERULONEPHRITIS. Identifiers: Orphanet 93114, MedGen C4302667, MONDO:0013758, OMIM 614455.

Submission:

Labcorp Genetics (formerly Invitae), Labcorp
Classification: Uncertain significance for Charcot-Marie-Tooth disease dominant intermediate E; Focal segmental glomerulosclerosis 5. Last evaluated: 2024-07-16. Review status: criteria provided, single submitter. Criteria: Invitae Variant Classification Sherloc (09022015). Collection method: clinical testing. Allele origin: germline.
Comment: This sequence change replaces proline, which is neutral and non-polar, with leucine, which is neutral and non-polar, at codon 488 of the INF2 protein (p.Pro488Leu). This variant is not present in population databases (gnomAD no frequency). This variant has not been reported in the literature in individuals affected with INF2-related conditions. Advanced modeling of protein sequence and biophysical properties (such as structural, functional, and spatial information, amino acid conservation, physicochemical variation, residue mobility, and thermodynamic stability) has been performed at Invitae for this missense variant, however the output from this modeling did not meet the statistical confidence thresholds required to predict the impact of this variant on INF2 protein function. In summary, the available evidence is currently insufficient to determine the role of this variant in disease. Therefore, it has been classified as a Variant of Uncertain Significance.